The following is an entry in ClinVar:

ClinVar aggregate classification (germline): Uncertain significance (1 of 4 stars; one submission).

Conditions:
Emery-Dreifuss muscular dystrophy 4, autosomal dominant (EDMD4). Also called: EMERY-DREIFUSS MUSCULAR DYSTROPHY 4 WITH VARIABLE FEATURES. Identifiers: Orphanet 261, MedGen C2751807, MONDO:0013071, OMIM 612998.
Autosomal recessive ataxia, Beauce type. Also called: Spinocerebellar ataxia, autosomal recessive 8; ATAXIA, RECESSIVE, OF BEAUCE; SYNE1 Deficiency; SYNE1-Related Autosomal Recessive Cerebellar Ataxia. Identifiers: Orphanet 88644, MedGen C1853116, MONDO:0012549, OMIM 610743.

Allele frequency attached by ClinVar (database versions not stated): gnomAD exomes below 0.00001 and 0.00001.
gnomAD v4.1: 20 of 1,609,976 alleles (0.0012%); highest among the groups gnomAD compares: Non-Finnish European, 0.0017%; no homozygotes.

Submission:

Labcorp Genetics (formerly Invitae), Labcorp
Classification: Uncertain significance for Emery-Dreifuss muscular dystrophy 4, autosomal dominant; Autosomal recessive ataxia, Beauce type. Last evaluated: 2022-06-13. Review status: criteria provided, single submitter. Criteria: Invitae Variant Classification Sherloc (09022015). Collection method: clinical testing. Allele origin: germline.
Comment: This sequence change falls in intron 6 of the SYNE1 gene. It does not directly change the encoded amino acid sequence of the SYNE1 protein. In summary, the available evidence is currently insufficient to determine the role of this variant in disease. Therefore, it has been classified as a Variant of Uncertain Significance. Algorithms developed to predict the effect of sequence changes on RNA splicing suggest that this variant may disrupt the consensus splice site. This variant has not been reported in the literature in individuals affected with SYNE1-related conditions. This variant is present in population databases (no rsID available, gnomAD 0.0009%).

NM_182961.4(SYNE1):c.310-7T>A

Gene: SYNE1 (spectrin repeat containing nuclear envelope protein 1; minus strand). Cytogenetic location: 6q25.2.
Variant type: single nucleotide variant.
Coding change: c.310-7T>A on transcript NM_182961.4 (MANE Select); 7 bases into the intron before coding-DNA position 310, T replaced by A.
Molecular consequence: intron variant.
Genome position (GRCh38, 1-based): chr6:152,511,110, A>T on the plus strand (T>A on the coding strand, the complement: SYNE1 is on the minus strand). VCF-style: chr6-152511110-A-T. GRCh37 (hg19) VCF-style: chr6-152832245-A-T.
Other names: c.331-7T>A (NM_033071.5).
Identifiers: ClinVar variation 1508296 (VCV001508296.6), dbSNP rs1341089745, ClinGen allele CA571150169.
Genomic context (GRCh38, chr6:152,511,110, plus strand): 5'-TATTGAGGGTCGGCCATCAGCTATATCGGTGGAGTTAATGTTGACTAATTTAATCTGTTT[A>T]AAAAAGAGAAACTGTACTAGTAATGTACTAGAATATTATAACTCATTTAATTATGTAACA-3'